The following is an entry in ClinVar:

NM_022168.4(IFIH1):c.1764dup (p.Ala589fs)

Gene: IFIH1 (interferon induced with helicase C domain 1; minus strand). Cytogenetic location: 2q24.2.
Variant type: Duplication.
Coding change: c.1764dup on transcript NM_022168.4 (MANE Select); coding-DNA position 1764, one base duplicated (A; older notation c.1764dupA).
Protein change: p.Ala589fs; shifts the reading frame from alanine 589.
Molecular consequence: frameshift variant.
Genome position (GRCh38, 1-based): chr2:162,278,206, T duplicated on the plus strand (A on the coding strand, the reverse complement: IFIH1 is on the minus strand); the first of 8 consecutive T bases (chr2:162,278,206-162,278,213); duplicating any one gives the same sequence. VCF-style (leftmost placement, unchanged base first): chr2-162278205-C-CT. GRCh37 (hg19) VCF-style: chr2-163134715-C-CT.
Other names: p.Ala589Serfs*21; c.1764dupA (NM_022168.3, NM_022168.4); c.1764dup, p.Ala589fs (LRG_1235t1); short protein forms A589fs.
Identifiers: ClinVar variation 541791 (VCV000541791.21), dbSNP rs553669430, ClinGen allele CA1934418.
Genomic context (GRCh38, chr2:162,278,205, plus strand): 5'-CATCTAAAATCTTGGTATAAACATGGGATAAACTAAGTGTTAGGTCCAAACCTAAATTAC[C>CT]TTTTTTTTCCATTTGAATGGCCCATTGTTCATAGGGTTGAGTTCCAAAATCTGACATTGG-3'

ClinVar aggregate classification (germline): Conflicting classifications of pathogenicity. Review status: criteria provided, conflicting classifications (1 of 4 stars). 7 submissions from 7 submitters: Uncertain significance (2); Benign (2); Likely benign (2). 1 of the submissions does not count toward it. Last evaluated 2026-05-01.

Conditions:
IFIH1-related disorder. Also called: IFIH1-related condition.
Singleton-Merten syndrome 1 (SGMRT1). Also called: Widened medullary cavities of bone, aortic calcification, abnormal dentition, and muscular weakness; Syndrome of widened medullary cavities of the metacarpals and phalanges, aortic calcification and abnormal dentition. Identifiers: Orphanet 85191, MedGen C4225427, MONDO:0024535, OMIM 182250.
Aicardi-Goutieres syndrome 7 (AGS7). Identifiers: Orphanet 51, MedGen C3888244, MONDO:0014367, OMIM 615846.

Submissions (7):

CeGaT Center for Human Genetics Tuebingen
Classification: Likely benign. Last evaluated: 2026-05-01. Review status: criteria provided, single submitter. Criteria: CeGaT Center For Human Genetics Tuebingen Variant Classification Criteria Version 2. Collection method: clinical testing. Allele origin: germline. Affected: yes. Observed: 1 variant allele.
Comment: IFIH1: BS2

Labcorp Genetics (formerly Invitae), Labcorp
Classification: Benign for Aicardi-Goutieres syndrome 7; Singleton-Merten syndrome 1. Last evaluated: 2026-01-27. Review status: criteria provided, single submitter. Criteria: Invitae Variant Classification Sherloc (09022015). Collection method: clinical testing. Allele origin: germline.

Women's Health and Genetics/Laboratory Corporation of America, LabCorp
Classification: Benign. Last evaluated: 2025-12-11. Review status: criteria provided, single submitter. Criteria: LabCorp Variant Classification Summary - May 2015. Collection method: clinical testing. Allele origin: germline.
Comment: Variant summary: IFIH1 c.1764dupA (p.Ala589SerfsX21) results in a premature termination codon, predicted to cause a truncation of the encoded protein or absence of the protein due to nonsense mediated decay, however current evidence is not sufficient to establish loss of function as a mechanism for disease. The variant allele was found at a frequency of 0.00061 in 234356 control chromosomes, predominantly at a frequency of 0.0066 within the African or African-American subpopulation in the gnomAD database, including 1 homozygote. The observed variant frequency within African or African-American control individuals in the gnomAD database exceeds the estimated maximal expected allele frequency for disease-causing variants in IFIH1. c.1764dupA has been observed in a father and his 3 daughters, all affected with amelogenesis imperfecta, without strong evidence of causality (example: Lanza_2025). This report does not provide unequivocal conclusions about association of the variant with IFIH1-related disorders. To our knowledge, no experimental evidence demonstrating an impact on protein function has been reported. ClinVar contains an entry for this variant (Variation ID: 541791). Based on the evidence outlined above, the variant was classified as benign.

Mayo Clinic Laboratories, Mayo Clinic
Classification: Uncertain significance. Last evaluated: 2025-08-13. Review status: criteria provided, single submitter. Criteria: ACMG Guidelines, 2015. Collection method: clinical testing. Allele origin: germline. Observed: 2 variant alleles.
Comment: BS2, PVS1

Blueprint Genetics
Classification: Likely benign. Last evaluated: 2024-11-26. Review status: criteria provided, single submitter. Criteria: ACMG Guidelines, 2015. Collection method: clinical testing. Allele origin: germline.

GeneDx
Classification: Uncertain significance. Last evaluated: 2019-04-24. Review status: criteria provided, single submitter. Criteria: GeneDx Variant Classification Process June 2021. Collection method: clinical testing. Allele origin: germline. Affected: yes.
Comment: Frameshift variant predicted to result in protein truncation or nonsense mediated decay in a gene for which loss-of-function is not a known mechanism of disease; Has not been previously published as pathogenic or benign to our knowledge

PreventionGenetics, part of Exact Sciences
Classification: Likely benign for IFIH1-related condition. Last evaluated: 2020-01-29. Review status: no assertion criteria provided. Collection method: clinical testing. Allele origin: germline. Not counted in ClinVar's aggregate classification.
Comment: This variant is classified as likely benign based on ACMG/AMP sequence variant interpretation guidelines (Richards et al. 2015 PMID: 25741868, with internal and published modifications).

Literature cited by the submitters: PubMed 40900580 (cited by Women's Health and Genetics/Laboratory Corporation of America, LabCorp); PubMed 28716935 (cited by Mayo Clinic Laboratories, Mayo Clinic); PubMed 34185153 (cited by Mayo Clinic Laboratories, Mayo Clinic); PubMed 38757311 (cited by Mayo Clinic Laboratories, Mayo Clinic).